The following is an entry in ClinVar:

NM_007215.4(POLG2):c.1103A>T (p.His368Leu)

Genes: MILR1 (mast cell immunoglobulin like receptor 1; plus strand), POLG2 (DNA polymerase gamma 2, accessory subunit; minus strand). Cytogenetic location: 17q23.3.
Variant type: single nucleotide variant.
Coding change: c.1103A>T on transcript NM_007215.4 (MANE Select); coding-DNA position 1103, A replaced by T.
Protein change: p.His368Leu; replaces histidine 368 with leucine.
Molecular consequence: missense variant.
Genome position (GRCh38, 1-based): chr17:64,485,735, T>A on the plus strand (A>T on the coding strand, the complement: POLG2 is on the minus strand). VCF-style: chr17-64485735-T-A. GRCh37 (hg19) VCF-style: chr17-62481852-T-A.
Other names: short protein forms H368L.
Identifiers: ClinVar variation 1494361 (VCV001494361.8), dbSNP rs2144156314, ClinGen allele CA400637835.
Genomic context (GRCh38, chr17:64,485,735, plus strand): 5'-AACAAACCCATATTTTTAGTTTCCCAAGTCTATCTCTGAAATATCAACAGCACCTTTCTA[T>A]GAAGATTTTTCTTTCTTGTAAAGGAGTTCTCTGTCAGCTGGAAAGAATCATAGAGGTAGG-3'
Protein context (NP_009146.2, residues 358-378): ENSFTRKKNL[His368Leu]RKVLKLHPCL

ClinVar aggregate classification (germline): Uncertain significance (1 of 4 stars; one submission).

Allele frequency attached by ClinVar (database versions not stated): gnomAD exomes below 0.00001.
gnomAD v4.1: 3 of 1,612,556 alleles (0.00019%); highest among the groups gnomAD compares: Non-Finnish European, 0.00025%; no homozygotes.

Submission:

Labcorp Genetics (formerly Invitae), Labcorp
Classification: Uncertain significance. Last evaluated: 2021-04-03. Review status: criteria provided, single submitter. Criteria: Invitae Variant Classification Sherloc (09022015). Collection method: clinical testing. Allele origin: germline.
Comment: This variant has not been reported in the literature in individuals with POLG2-related conditions. This variant is not present in population databases (ExAC no frequency). This sequence change replaces histidine with leucine at codon 368 of the POLG2 protein (p.His368Leu). The histidine residue is weakly conserved and there is a moderate physicochemical difference between histidine and leucine. Algorithms developed to predict the effect of missense changes on protein structure and function (SIFT, PolyPhen-2, Align-GVGD) all suggest that this variant is likely to be tolerated, but these predictions have not been confirmed by published functional studies and their clinical significance is uncertain. In summary, the available evidence is currently insufficient to determine the role of this variant in disease. Therefore, it has been classified as a Variant of Uncertain Significance.